The following is an entry in ClinVar:

NM_198060.4(NRAP):c.394G>T (p.Ala132Ser)

Gene: NRAP (nebulin related anchoring protein; minus strand). Cytogenetic location: 10q25.3.
Variant type: single nucleotide variant.
Coding change: c.394G>T on transcript NM_198060.4 (MANE Select); coding-DNA position 394, G replaced by T.
Protein change: p.Ala132Ser; replaces alanine 132 with serine.
Molecular consequence: missense variant.
Genome position (GRCh38, 1-based): chr10:113,654,092, C>A on the plus strand (G>T on the coding strand, the complement: NRAP is on the minus strand). VCF-style: chr10-113654092-C-A. GRCh37 (hg19) VCF-style: chr10-115413851-C-A.
Other names: c.394G>T, p.Ala132Ser (NM_001261463.2, NM_001322945.2, NM_006175.5); c.394G>T (NM_198060.3); short protein forms A132S.
Identifiers: ClinVar variation 786175 (VCV000786175.7), dbSNP rs34700024, ClinGen allele CA5695951.
Genomic context (GRCh38, chr10:113,654,092, plus strand): 5'-ACTTTCGAGCCTCAACCATCCTTACAATTTCGGGGTCTGGCAGAGCTCCTGGGCACCAAG[C>A]ATTCCCTTCCCCATATCCAGTCCAATAGGCTCTCTACAAAGGAAGCACATGAAGGGATAC-3'
Protein context (NP_932326.2, residues 122-142): AYWTGYGEGN[Ala132Ser]WCPGALPDPE

ClinVar aggregate classification (germline): Benign/Likely benign. Review status: criteria provided, multiple submitters, no conflicts (2 of 4 stars). 4 submissions from 4 submitters: Benign (2); Likely benign (1). 1 of the submissions does not count toward it. Last evaluated 2025-04-09.

Conditions:
NRAP-related disorder. Also called: NRAP-related condition.

Allele frequency attached by ClinVar (database versions not stated): gnomAD exomes 0.00162; ExAC 0.00203; 1000 Genomes Project 0.00659; 1000 Genomes Project 30x 0.00671; gnomAD 0.00671 and 0.00727; ESP Exome Variant Server 0.00738; TOPMed 0.00755.
gnomAD v4.1: 1,989 of 1,613,642 alleles (0.12%); highest among the groups gnomAD compares: African/African-American, 2.4%; 26 homozygotes.

Submissions (4):

Molecular Diagnostic Laboratory for Inherited Cardiovascular Disease, Montreal Heart Institute
Classification: Likely benign. Last evaluated: 2025-04-09. Review status: criteria provided, single submitter. Criteria: ACMG Guidelines, 2015. Collection method: clinical testing. Allele origin: germline. Affected: no.

Labcorp Genetics (formerly Invitae), Labcorp
Classification: Benign. Last evaluated: 2018-05-24. Review status: criteria provided, single submitter. Criteria: Invitae Variant Classification Sherloc (09022015). Collection method: clinical testing. Allele origin: germline.

Breakthrough Genomics
Classification: Benign. Review status: criteria provided, single submitter. Criteria: ACMG Guidelines, 2015. Collection method: not provided. Allele origin: germline. Inheritance: Unknown mechanism. Affected: yes.

PreventionGenetics, part of Exact Sciences
Classification: Benign for NRAP-related condition. Last evaluated: 2019-03-20. Review status: no assertion criteria provided. Collection method: clinical testing. Allele origin: germline. Not counted in ClinVar's aggregate classification.
Comment: This variant is classified as benign based on ACMG/AMP sequence variant interpretation guidelines (Richards et al. 2015 PMID: 25741868, with internal and published modifications).